The following is an entry in ClinVar:

ClinVar aggregate classification (germline): Uncertain significance (1 of 4 stars; one submission).

Conditions:
Progressive sclerosing poliodystrophy (MTDPS4A). Also called: ALPERS PROGRESSIVE INFANTILE POLIODYSTROPHY; NEURONAL DEGENERATION OF CHILDHOOD WITH LIVER DISEASE, PROGRESSIVE; Alpers Syndrome; ALPERS DIFFUSE DEGENERATION OF CEREBRAL GRAY MATTER WITH HEPATIC CIRRHOSIS; Alpers-Huttenlocher Syndrome; Mitochondrial DNA depletion syndrome 4A (Alpers type). Identifiers: Orphanet 726, MedGen C0205710, MONDO:0008758, OMIM 203700.

Submission:

Labcorp Genetics (formerly Invitae), Labcorp
Classification: Uncertain significance for Progressive sclerosing poliodystrophy. Last evaluated: 2024-03-17. Review status: criteria provided, single submitter. Criteria: Invitae Variant Classification Sherloc (09022015). Collection method: clinical testing. Allele origin: germline.
Comment: This sequence change replaces glycine, which is neutral and non-polar, with aspartic acid, which is acidic and polar, at codon 531 of the POLG protein (p.Gly531Asp). This variant is not present in population databases (gnomAD no frequency). This variant has not been reported in the literature in individuals affected with POLG-related conditions. Advanced modeling of protein sequence and biophysical properties (such as structural, functional, and spatial information, amino acid conservation, physicochemical variation, residue mobility, and thermodynamic stability) has been performed at Invitae for this missense variant, however the output from this modeling did not meet the statistical confidence thresholds required to predict the impact of this variant on POLG protein function. In summary, the available evidence is currently insufficient to determine the role of this variant in disease. Therefore, it has been classified as a Variant of Uncertain Significance.

NM_002693.3(POLG):c.1592G>A (p.Gly531Asp)

Gene: POLG (DNA polymerase gamma, catalytic subunit; minus strand). Cytogenetic location: 15q26.1.
Variant type: single nucleotide variant.
Coding change: c.1592G>A on transcript NM_002693.3 (MANE Select); coding-DNA position 1592, G replaced by A.
Protein change: p.Gly531Asp; replaces glycine 531 with aspartic acid.
Molecular consequence: missense variant.
Genome position (GRCh38, 1-based): chr15:89,326,732, C>T on the plus strand (G>A on the coding strand, the complement: POLG is on the minus strand). VCF-style: chr15-89326732-C-T. GRCh37 (hg19) VCF-style: chr15-89869963-C-T.
Other names: c.1592G>A, p.Gly531Asp (NM_001126131.2); short protein forms G531D.
Identifiers: ClinVar variation 3636638 (VCV003636638.2).
Genomic context (GRCh38, chr15:89,326,732, plus strand): 5'-TTCTGCAAGCAGGCGCGGGCCATGACATCTTGTTGAAACTCCTCCTCCTCACTGCAGGGG[C>T]CGAGGTCTGTGAGGGTGGGGGAAGACAATCAGGAGCAGGAGAAGGAACTCTCAATAAGAT-3'
Protein context (NP_002684.1, residues 521-541): PGDPMDQEDL[Gly531Asp]PCSEEEEFQQ